The following is an entry in ClinVar:

ClinVar aggregate classification (germline): Pathogenic. Review status: criteria provided, single submitter (1 of 4 stars). 2 submissions from 2 submitters: Pathogenic (1). 1 of the submissions does not count toward it. Last evaluated 2024-12-12.

Conditions:
Charcot-Marie-Tooth disease. Also called: Charcot-Marie-Tooth Hereditary Neuropathy; Charcot-Marie-Tooth Neuropathy. Identifiers: Orphanet 166, MedGen C0007959, MONDO:0015626.
Charcot-Marie-Tooth disease type 4F. Also called: Charcot-Marie-Tooth disease, demyelinating, type 4F. Identifiers: Orphanet 99952, MedGen C3540453, MONDO:0013959, OMIM 614895.

Submissions (2):

3billion
Classification: Pathogenic for Charcot-Marie-Tooth disease type 4F. Last evaluated: 2024-12-12. Review status: criteria provided, single submitter. Criteria: ACMG Guidelines, 2015. Collection method: clinical testing. Allele origin: germline. Affected: yes.
Comment: The variant is not observed in the gnomAD v4.1.0 dataset. Predicted Consequence/Location: Frameshift: predicted to result in a loss or disruption of normal protein function through nonsense-mediated decay (NMD) or protein truncation. Multiple pathogenic variants are reported downstream of the variant. The variant has been reported to be associated with PRX-related disorder (PMID: 24011642). Therefore, this variant is classified as Pathogenic according to the recommendation of ACMG/AMP guideline.

Inherited Neuropathy Consortium
Classification: Uncertain significance for Charcot-Marie-Tooth disease. Review status: no assertion criteria provided. Collection method: literature only. Allele origin: germline. Affected: yes. Not counted in ClinVar's aggregate classification.

Literature cited by the submitters: PubMed 24011642 (cited by 3billion and Inherited Neuropathy Consortium).

NM_181882.3(PRX):c.116_117del (p.Lys39fs)

Genes: PRX (periaxin; minus strand), LOC130064454 (ATAC-STARR-seq lymphoblastoid active region 14650; plus strand). Cytogenetic location: 19q13.2.
Variant type: Deletion.
Coding change: c.116_117del on transcript NM_181882.3 (MANE Select); coding-DNA positions 116 to 117, 2 bases deleted (AA; older notation c.116_117delAA).
Protein change: p.Lys39fs; shifts the reading frame from lysine 39.
Molecular consequence: frameshift variant.
Genome position (GRCh38, 1-based): chr19:40,403,773-40,403,774, TT deleted on the plus strand (AA on the coding strand, the reverse complement: PRX is on the minus strand); deleting any 2 consecutive bases within chr19:40,403,773-40,403,775 gives the same sequence; the c. name uses the placement nearest the transcript's 3' end. VCF-style (leftmost placement, unchanged base first): chr19-40403772-CTT-C. GRCh37 (hg19) VCF-style: chr19-40909679-CTT-C.
Other names: c.116_117delAA (NM_181882.2); c.116_117del, p.Lys39fs (NM_020956.2); short protein forms K39fs.
Identifiers: ClinVar variation 637400 (VCV000637400.2), dbSNP rs1599662861, ClinGen allele CA915953030.